The following is an entry in ClinVar:

NM_020702.5(MYORG):c.701_702del (p.Ala234fs)

Gene: MYORG (myogenesis regulating glycosidase; minus strand). Cytogenetic location: 9p13.3.
Variant type: Microsatellite.
Coding change: c.701_702del on transcript NM_020702.5 (MANE Select); coding-DNA positions 701 to 702, 2 bases deleted (CG; older notation c.701_702delCG).
Protein change: p.Ala234fs; shifts the reading frame from alanine 234.
Molecular consequence: frameshift variant.
Genome position (GRCh38, 1-based): chr9:34,372,242-34,372,243, CG deleted on the plus strand (CG on the coding strand, the reverse complement: MYORG is on the minus strand); deleting any 2 consecutive bases within chr9:34,372,242-34,372,249 gives the same sequence; the c. name uses the placement nearest the transcript's 3' end. VCF-style (leftmost placement, unchanged base first): chr9-34372241-CCG-C. GRCh37 (hg19) VCF-style: chr9-34372239-CCG-C.
Other names: short protein forms A234fs.
Identifiers: ClinVar variation 2573020 (VCV002573020.1), dbSNP rs1273216154, ClinGen allele CA863477798.

ClinVar aggregate classification (germline): Likely pathogenic (1 of 4 stars; one submission).

Conditions:
Basal ganglia calcification, idiopathic, 7, autosomal recessive. Also called: PRIMARY FAMILIAL BRAIN CALCIFICATION 7, AUTOSOMAL RECESSIVE. Identifiers: MedGen C5193025, MONDO:0032673, OMIM 618317.

Submission:

Illumina Laboratory Services, Illumina
Classification: Likely pathogenic for Basal ganglia calcification, idiopathic, 7, autosomal recessive. Last evaluated: 2023-05-02. Review status: criteria provided, single submitter. Criteria: ICSLVariantClassificationCriteria RUGD 01 April 2020. Collection method: clinical testing. Allele origin: unknown.
Comment: The MYORG c.701_702del (p.Ala234GlyfsTer?) variant causes a shift in the protein reading frame; however, this variant occurs in the last exon of the gene and may escape nonsense-mediated mRNA decay. Nonsense and frameshift variants in the last exon of MYORG have been associated with primary familial brain calcification (PFBC) (PMID: 31009047; 32211515). To our knowledge, the p.Ala234GlyfsTer? variant has not been reported in the peer-reviewed literature. This variant is not observed in version 2.1.1 or version 3.1.2 of the Genome Aggregation Database. This variant has been identified in a compound heterozygous state. Based on the available evidence, the c.701_702del (p.Ala234GlyfsTer?) variant is classified as likely pathogenic for basal ganglia calcification.

Literature cited by the submitters: PubMed 32211515.